The following is an entry in ClinVar:

ClinVar aggregate classification (germline): Pathogenic (1 of 4 stars; one submission).

Allele frequency attached by ClinVar (database versions not stated): TOPMed below 0.00001.

Submission:

GeneDx
Classification: Pathogenic. Last evaluated: 2018-12-27. Review status: criteria provided, single submitter. Criteria: GeneDx Variant Classification (06012015). Collection method: clinical testing. Allele origin: germline. Affected: yes.
Comment: The E924X variant in the ASPM gene has not been reported previously as a pathogenic variant nor as a benign variant, to our knowledge. This variant is predicted to cause loss of normal protein function either through protein truncation or nonsense-mediated mRNA decay. The E924X variant was not observed in approximately 6500 individuals of European and African American ancestry in the NHLBI Exome Sequencing Project, indicating it is not a common benign variant in these populations. Protein truncating pathogenic variants downstream of this variant have been reported in the Human Gene Mutation Database in association with ASPM-related disorders (Stenson et al., 2014), supporting the pathogenicity of more upstream truncating variants. We interpret E924X as a pathogenic variant.

NM_018136.5(ASPM):c.2770G>T (p.Glu924Ter)

Gene: ASPM (assembly factor for spindle microtubules; minus strand). Cytogenetic location: 1q31.3.
Variant type: single nucleotide variant.
Coding change: c.2770G>T on transcript NM_018136.5 (MANE Select); coding-DNA position 2770, G replaced by T.
Protein change: p.Glu924Ter; replaces glutamic acid 924 with a stop codon.
Molecular consequence: nonsense.
Genome position (GRCh38, 1-based): chr1:197,128,656, C>A on the plus strand (G>T on the coding strand, the complement: ASPM is on the minus strand). VCF-style: chr1-197128656-C-A. GRCh37 (hg19) VCF-style: chr1-197097786-C-A.
Other names: c.2770G>T, p.Glu924Ter (NM_001206846.2); short protein forms E924*.
Identifiers: ClinVar variation 234778 (VCV000234778.2), dbSNP rs749462358, ClinGen allele CA10577226.